The following is an entry in ClinVar:

ClinVar aggregate classification (germline): Pathogenic (1 of 4 stars; one submission).

Conditions:
Primary ciliary dyskinesia 3. Identifiers: Orphanet 244, MedGen C1837618, MONDO:0012085, OMIM 608644.

Submission:

Myriad Genetics, Inc.
Classification: Pathogenic for Primary ciliary dyskinesia 3. Last evaluated: 2025-05-28. Review status: criteria provided, single submitter. Criteria: Myriad Autosomal Dominant, Autosomal Recessive and X-Linked Classification Criteria (2023). Collection method: clinical testing. Allele origin: unknown.
Comment: NM_001369.2(DNAH5):c.10342delC(Q3448Rfs*22) is expected to be pathogenic in the context of primary ciliary dyskinesia, DNAH5-related. This variant is predicted to lead to an abnormal or absent protein product due to the creation of a premature termination codon in DNAH5, a gene where loss-of-function variants are known to be pathogenic. Please note: this variant was assessed in the context of healthy population screening.

NM_001369.3(DNAH5):c.10342del (p.Gln3448fs)

Gene: DNAH5 (dynein axonemal heavy chain 5; minus strand). Cytogenetic location: 5p15.2.
Variant type: Deletion.
Coding change: c.10342del on transcript NM_001369.3 (MANE Select); coding-DNA position 10342, one base deleted (C; older notation c.10342delC).
Protein change: p.Gln3448fs; shifts the reading frame from glutamine 3448.
Molecular consequence: frameshift variant.
Genome position (GRCh38, 1-based): chr5:13,758,923, G deleted on the plus strand (C on the coding strand, the reverse complement: DNAH5 is on the minus strand); the first of 3 consecutive G bases (chr5:13,758,923-13,758,925); deleting any one gives the same sequence. VCF-style (leftmost placement, unchanged base first): chr5-13758922-TG-T. GRCh37 (hg19) VCF-style: chr5-13759031-TG-T.
Other names: short protein forms Q3448fs.
Identifiers: ClinVar variation 5014532 (VCV005014532.1).
Genomic context (GRCh38, chr5:13,758,922, plus strand): 5'-GCCTGTTCATACTCAGCCTGCACCACGTCAAGTTCCGCCTGCTTGTCATCCAACTCGGCC[TG>T]GGCTTTCTGCAGATCCTGCATGGCCAGGAGATGGCGATTCTCTTGCACCACCAAGTTGGC-3'